The following is an entry in ClinVar:

ClinVar aggregate classification (germline): Benign/Likely benign. Review status: criteria provided, multiple submitters, no conflicts (2 of 4 stars). 16 submissions from 15 submitters: Benign (10); Likely benign (2). 4 of the submissions do not count toward it. Last evaluated 2026-08-01.

Conditions:
ABCC9-related disorder. Also called: ABCC9-related disorders; ABCC9-related condition.
Cardiovascular phenotype. Identifiers: MedGen CN230736.
Cardiomyopathy (CMYO). Also called: Cardiomyopathies. Identifiers: Orphanet 167848, MedGen C0878544, MONDO:0004994, HP:0001638. Inheritance: Various modes of inheritance.
Hypertrichotic osteochondrodysplasia Cantu type. Also called: Cantú Syndrome; Cantu Syndrome. Identifiers: Orphanet 1517, MedGen C0795905, MONDO:0009406, OMIM 239850.
Dilated cardiomyopathy 1O (CMD1O). Also called: CARDIOMYOPATHY, DILATED, WITH VENTRICULAR TACHYCARDIA. Identifiers: Orphanet 154, MedGen C1837839, MONDO:0012062, OMIM 608569.

Allele frequency attached by ClinVar (database versions not stated): TOPMed 0.00070; gnomAD exomes 0.00125 and 0.00228; ExAC 0.00244; gnomAD 0.00183 and 0.00193; 1000 Genomes Project 30x 0.00156; ESP Exome Variant Server 0.00123; 1000 Genomes Project 0.00140.
gnomAD v4.1: 2,130 of 1,613,974 alleles (0.13%); highest among the groups gnomAD compares: Middle Eastern, 0.099%; 3 homozygotes.

Submissions (16):

CeGaT Center for Human Genetics Tuebingen
Classification: Likely benign. Last evaluated: 2026-08-01. Review status: criteria provided, single submitter. Criteria: CeGaT Center For Human Genetics Tuebingen Variant Classification Criteria Version 2. Collection method: clinical testing. Allele origin: germline. Affected: yes. Observed: 11 variant alleles.
Comment: ABCC9: BP4, BP7

Labcorp Genetics (formerly Invitae), Labcorp
Classification: Benign for Dilated cardiomyopathy 1O. Last evaluated: 2026-02-02. Review status: criteria provided, single submitter. Criteria: Invitae Variant Classification Sherloc (09022015). Collection method: clinical testing. Allele origin: germline.

Mayo Clinic Laboratories, Mayo Clinic
Classification: Benign. Last evaluated: 2025-09-17. Review status: criteria provided, single submitter. Criteria: ACMG Guidelines, 2015. Collection method: clinical testing. Allele origin: germline. Observed: 4 variant alleles.
Comment: BS1, BS2, BP4, BP7

Blueprint Genetics
Classification: Likely benign. Last evaluated: 2024-11-22. Review status: criteria provided, single submitter. Criteria: ACMG Guidelines, 2015. Collection method: clinical testing. Allele origin: germline.

Women's Health and Genetics/Laboratory Corporation of America, LabCorp
Classification: Benign. Last evaluated: 2022-09-24. Review status: criteria provided, single submitter. Criteria: LabCorp Variant Classification Summary - May 2015. Collection method: clinical testing. Allele origin: germline.

ARUP Laboratories, Molecular Genetics and Genomics, ARUP Laboratories
Classification: Benign. Last evaluated: 2020-02-03. Review status: criteria provided, single submitter. Criteria: ARUP Molecular Germline Variant Investigation Process. Collection method: clinical testing. Allele origin: germline.

Ambry Genetics
Classification: Benign for Cardiovascular phenotype. Last evaluated: 2017-07-22. Review status: criteria provided, single submitter. Criteria: Ambry Variant Classification Scheme 2023. Collection method: clinical testing. Allele origin: germline.

Illumina Laboratory Services, Illumina
Classification: Benign for Hypertrichotic osteochondrodysplasia Cantu type. Last evaluated: 2017-04-27. Review status: criteria provided, single submitter. Criteria: ICSL Variant Classification Criteria 13 December 2019. Collection method: clinical testing. Allele origin: germline.
Comment: This variant was observed as part of a predisposition screen in an ostensibly healthy population. A literature search was performed for the gene, cDNA change, and amino acid change (where applicable). No publications were found based on this search. Allele frequency data from public databases was too high to be consistent with this variant causing disease. Therefore, this variant is classified as benign.

Illumina Laboratory Services, Illumina
Classification: Benign for Dilated cardiomyopathy 1O. Last evaluated: 2017-04-27. Review status: criteria provided, single submitter. Criteria: ICSL Variant Classification Criteria 13 December 2019. Collection method: clinical testing. Allele origin: germline.
Comment: This variant was observed as part of a predisposition screen in an ostensibly healthy population. A literature search was performed for the gene, cDNA change, and amino acid change (where applicable). Publications were found based on this search. The evidence from the literature, in combination with allele frequency data from public databases where available, was sufficient to rule this variant out of causing disease. Therefore, this variant is classified as benign.

CHEO Genetics Diagnostic Laboratory, Children's Hospital of Eastern Ontario
Classification: Benign for Cardiomyopathy. Last evaluated: 2016-01-11. Review status: criteria provided, single submitter. Criteria: ACMG Guidelines, 2015. Collection method: clinical testing. Allele origin: germline. Study: Canadian Open Genetics Repository.

Laboratory for Molecular Medicine, Mass General Brigham Personalized Medicine
Classification: Benign. Last evaluated: 2016-01-07. Review status: criteria provided, single submitter. Criteria: LMM Criteria. Collection method: clinical testing. Allele origin: germline. Observed: 5 variant alleles.
Comment: p.Ala559Ala in exon 12 of ABCC9: This variant is not expected to have clinical s ignificance because it does not alter an amino acid residue and is not located w ithin the splice consensus sequence. It has been identified in 1.4% (91/6612) of Finnish chromosomes by the Exome Aggregation Consortium (ExAC; dbSNP rs76458291).

GeneDx
Classification: Benign. Last evaluated: 2014-03-18. Review status: criteria provided, single submitter. Criteria: GeneDx Variant Classification (06012015). Collection method: clinical testing. Allele origin: germline. Affected: yes.
Comment: This variant is considered likely benign or benign based on one or more of the following criteria: it is a conservative change, it occurs at a poorly conserved position in the protein, it is predicted to be benign by multiple in silico algorithms, and/or has population frequency not consistent with disease.

PreventionGenetics, part of Exact Sciences
Classification: Benign for ABCC9-related condition. Last evaluated: 2019-10-09. Review status: no assertion criteria provided. Collection method: clinical testing. Allele origin: germline. Not counted in ClinVar's aggregate classification.
Comment: This variant is classified as benign based on ACMG/AMP sequence variant interpretation guidelines (Richards et al. 2015 PMID: 25741868, with internal and published modifications).

Clinical Genetics DNA and cytogenetics Diagnostics Lab, Erasmus MC, Erasmus Medical Center
Classification: Likely benign. Review status: no assertion criteria provided. Collection method: clinical testing. Allele origin: germline. Affected: yes. Study: VKGL Data-share Consensus. Not counted in ClinVar's aggregate classification.

Clinical Genetics, Academic Medical Center
Classification: Benign. Review status: no assertion criteria provided. Collection method: clinical testing. Allele origin: germline. Affected: yes. Study: VKGL Data-share Consensus. Not counted in ClinVar's aggregate classification.

Diagnostic Laboratory, Department of Genetics, University Medical Center Groningen
Classification: Likely benign. Review status: no assertion criteria provided. Collection method: clinical testing. Allele origin: germline. Affected: yes. Study: VKGL Data-share Consensus. Not counted in ClinVar's aggregate classification.

Literature cited by the submitters: PubMed 24503780 (cited by Illumina Laboratory Services, Illumina).

NM_020297.4(ABCC9):c.1677G>A (p.Ala559=)

Gene: ABCC9 (ATP binding cassette subfamily C member 9; minus strand). Cytogenetic location: 12p12.1.
Variant type: single nucleotide variant.
Coding change: c.1677G>A on transcript NM_020297.4 (MANE Select); coding-DNA position 1677, G replaced by A.
Protein change: p.Ala559=; no amino-acid change (alanine 559 retained).
Molecular consequence: synonymous variant.
Genome position (GRCh38, 1-based): chr12:21,894,157, C>T on the plus strand (G>A on the coding strand, the complement: ABCC9 is on the minus strand). VCF-style: chr12-21894157-C-T. GRCh37 (hg19) VCF-style: chr12-22047091-C-T.
Other names: p.A559A:GCG>GCA; p.Ala559=; c.1677G>A, p.Ala559= (NM_001377273.1, NM_005691.4); c.813G>A, p.Ala271= (NM_001377274.1); c.1677G>A (NM_020297.3).
Identifiers: ClinVar variation 45390 (VCV000045390.64), dbSNP rs76458291, ClinGen allele CA282521.
Genomic context (GRCh38, chr12:21,894,157, plus strand): 5'-ATGGAAGAGAGACAGTGAAGCAAAGGCCTCTGCAGGTTTCAGATTGTTTCCACTGGCATA[C>T]GCATGGGTCACAAATGTCTGTGCAAAGAAAGGAGTTCTTTAGAGAAAGCTGGAAAAAGTG-3'
Protein context (NP_064693.2, residues 549-569): AAVLATFVTH[Ala559=]YASGNNLKPA